The following is an entry in ClinVar:

ClinVar aggregate classification (germline): Pathogenic. Review status: criteria provided, single submitter (1 of 4 stars). 2 submissions from 2 submitters: Pathogenic (1). 1 of the submissions does not count toward it. Last evaluated 2024-11-20.

Conditions:
Nail-patella syndrome (NPS). Also called: TURNER-KIESER SYNDROME; FONG DISEASE; ONYCHOOSTEODYSPLASIA. Identifiers: Orphanet 2614, MedGen C0027341, MONDO:0008061, OMIM 161200.

Submissions (2):

GeneDx
Classification: Pathogenic. Last evaluated: 2024-11-20. Review status: criteria provided, single submitter. Criteria: GeneDx Variant Classification Process June 2021. Collection method: clinical testing. Allele origin: germline. Affected: yes.
Comment: Not observed at significant frequency in large population cohorts (gnomAD); In silico analysis supports that this missense variant has a deleterious effect on protein structure/function; This variant is associated with the following publications: (PMID: 32963778)

Felix Claverie-Martin Laboratory, Hospital Universitario Nuestra Senora de Candelaria
Classification: Pathogenic for Nail-patella syndrome. Review status: no assertion criteria provided. Collection method: clinical testing. Allele origin: unknown. Inheritance: Autosomal dominant inheritance. Affected: yes. Observed: 1 variant allele. Not counted in ClinVar's aggregate classification.

NM_001174147.2(LMX1B):c.709T>C (p.Ser237Pro)

Gene: LMX1B (LIM homeobox transcription factor 1 beta; plus strand). Cytogenetic location: 9q33.3.
Variant type: single nucleotide variant.
Coding change: c.709T>C on transcript NM_001174147.2 (MANE Select); coding-DNA position 709, T replaced by C.
Protein change: p.Ser237Pro; replaces serine 237 with proline.
Molecular consequence: missense variant.
Genome position (GRCh38, 1-based): chr9:126,693,291, T>C. VCF-style: chr9-126693291-T-C. GRCh37 (hg19) VCF-style: chr9-129455570-T-C.
Other names: c.709T>C, p.Ser237Pro (NM_001174146.2, NM_002316.4); c.709T>C (NM_002316.3); short protein forms S237P.
Identifiers: ClinVar variation 694525 (VCV000694525.3), dbSNP rs1588307152, ClinGen allele CA374913638.
Genomic context (GRCh38, chr9:126,693,291, plus strand): 5'-CGGAGGCCCAAGCGACCCCGGACCATCCTCACCACGCAGCAGCGAAGAGCCTTCAAGGCC[T>C]CCTTCGAGGTCTCGTCGAAGCCTTGCCGAAAGGTGAGGGGCGGCCGGGGGGCGGGGCTCA-3'
Protein context (NP_001167618.1, residues 227-247): TTQQRRAFKA[Ser237Pro]FEVSSKPCRK